The following is an entry in ClinVar:

ClinVar aggregate classification (germline): Benign. Review status: criteria provided, multiple submitters, no conflicts (2 of 4 stars). 6 submissions from 6 submitters: Benign (3). 3 of the submissions do not count toward it. Last evaluated 2026-02-01.

Conditions:
Deficiency of alpha-mannosidase (MANSA). Also called: Alpha-Mannosidosis; LYSOSOMAL ALPHA-D-MANNOSIDASE DEFICIENCY; Mannosidosis, alpha-, types I and II. Identifiers: Orphanet 61, MedGen C0024748, MONDO:0009561, OMIM 248500.

Allele frequency attached by ClinVar (database versions not stated): 1000 Genomes Project 0.00859; 1000 Genomes Project 30x 0.00890; gnomAD 0.00964; ESP Exome Variant Server 0.01002; TOPMed 0.01092.
gnomAD v4.1: 3,124 of 1,609,698 alleles (0.19%); highest among the groups gnomAD compares: African/African-American, 3.3%; 44 homozygotes.

Submissions (6):

Labcorp Genetics (formerly Invitae), Labcorp
Classification: Benign for Deficiency of alpha-mannosidase. Last evaluated: 2026-02-01. Review status: criteria provided, single submitter. Criteria: Invitae Variant Classification Sherloc (09022015). Collection method: clinical testing. Allele origin: germline.

Illumina Laboratory Services, Illumina
Classification: Benign for Deficiency of alpha-mannosidase. Last evaluated: 2018-01-12. Review status: criteria provided, single submitter. Criteria: ICSL Variant Classification Criteria 13 December 2019. Collection method: clinical testing. Allele origin: germline.
Comment: This variant was observed in the ICSL laboratory as part of a predisposition screen in an ostensibly healthy population. It had not been previously curated by ICSL or reported in the Human Gene Mutation Database (HGMD: prior to June 1st, 2018), and was therefore a candidate for classification through an automated scoring system. Utilizing variant allele frequency, disease prevalence and penetrance estimates, and inheritance mode, an automated score was calculated to assess if this variant is too frequent to cause the disease. Based on the score and internal cut-off values, a variant classified as benign is not then subjected to further curation. The score for this variant resulted in a classification of benign for this disease.

Breakthrough Genomics
Classification: Benign. Review status: criteria provided, single submitter. Criteria: ACMG Guidelines, 2015. Collection method: not provided. Allele origin: germline. Inheritance: Autosomal recessive inheritance. Affected: yes.

Mayo Clinic Laboratories, Mayo Clinic
Classification: Benign. Last evaluated: 2017-08-15. Review status: no assertion criteria provided. Collection method: clinical testing. Allele origin: unknown. Not counted in ClinVar's aggregate classification.

Clinical Genetics, Academic Medical Center
Classification: Benign. Review status: no assertion criteria provided. Collection method: clinical testing. Allele origin: germline. Affected: yes. Study: VKGL Data-share Consensus. Not counted in ClinVar's aggregate classification.

Genome Diagnostics Laboratory, University Medical Center Utrecht
Classification: Likely benign. Review status: no assertion criteria provided. Collection method: clinical testing. Allele origin: germline. Affected: yes. Study: VKGL Data-share Consensus. Not counted in ClinVar's aggregate classification.

NM_000528.4(MAN2B1):c.2562C>G (p.Ala854=)

Gene: MAN2B1 (mannosidase alpha class 2B member 1; minus strand). Cytogenetic location: 19p13.13.
Variant type: single nucleotide variant.
Coding change: c.2562C>G on transcript NM_000528.4 (MANE Select); coding-DNA position 2562, C replaced by G.
Protein change: p.Ala854=; no amino-acid change (alanine 854 retained).
Molecular consequence: synonymous variant.
Genome position (GRCh38, 1-based): chr19:12,648,277, G>C on the plus strand (C>G on the coding strand, the complement: MAN2B1 is on the minus strand). VCF-style: chr19-12648277-G-C. GRCh37 (hg19) VCF-style: chr19-12759091-G-C.
Other names: c.2559C>G, p.Ala853= (NM_001173498.2).
Identifiers: ClinVar variation 328258 (VCV000328258.22), dbSNP rs10410289, ClinGen allele CA9225984.